The following is an entry in ClinVar:

ClinVar aggregate classification (germline): Pathogenic (1 of 4 stars; one submission).

Submission:

Labcorp Genetics (formerly Invitae), Labcorp
Classification: Pathogenic. Last evaluated: 2022-05-12. Review status: criteria provided, single submitter. Criteria: Invitae Variant Classification Sherloc (09022015). Collection method: clinical testing. Allele origin: germline.
Comment: This sequence change creates a premature translational stop signal (p.Arg1364Profs*6) in the POLE gene. It is expected to result in an absent or disrupted protein product. Loss-of-function variants in POLE are known to be pathogenic (PMID: 23230001, 25948378, 30503519). This variant is not present in population databases (gnomAD no frequency). This variant has not been reported in the literature in individuals affected with POLE-related conditions. Algorithms developed to predict the effect of sequence changes on RNA splicing suggest that this variant may create or strengthen a splice site. For these reasons, this variant has been classified as Pathogenic.

Literature cited by the submitters: PubMed 23230001; PubMed 25948378; PubMed 30503519.

NM_006231.4(POLE):c.4089_4090dup (p.Arg1364fs)

Gene: POLE (DNA polymerase epsilon, catalytic subunit; minus strand). Cytogenetic location: 12q24.33.
Variant type: Duplication.
Coding change: c.4089_4090dup on transcript NM_006231.4 (MANE Select); coding-DNA positions 4089 to 4090, 2 bases duplicated (CC; older notation c.4089_4090dupCC).
Protein change: p.Arg1364fs; shifts the reading frame from arginine 1364.
Molecular consequence: frameshift variant.
Genome position (GRCh38, 1-based): chr12:132,648,988-132,648,989, GG duplicated on the plus strand (CC on the coding strand, the reverse complement: POLE is on the minus strand); duplicating any 2 consecutive bases within chr12:132,648,988-132,648,992 gives the same sequence; the c. name uses the placement nearest the transcript's 3' end. VCF-style (leftmost placement, unchanged base first): chr12-132648987-C-CGG. GRCh37 (hg19) VCF-style: chr12-133225573-C-CGG.
Other names: short protein forms R1364fs.
Identifiers: ClinVar variation 1356069 (VCV001356069.8), dbSNP rs2138597699, ClinGen allele CA2573148085.